The following is an entry in ClinVar:

NM_004385.5(VCAN):c.7639C>T (p.Leu2547=)

Genes: VCAN (versican; plus strand), VCAN-AS1 (VCAN antisense RNA 1; minus strand). Cytogenetic location: 5q14.3.
Variant type: single nucleotide variant.
Coding change: c.7639C>T on transcript NM_004385.5 (MANE Select); coding-DNA position 7639, C replaced by T.
Protein change: p.Leu2547=; no amino-acid change (leucine 2547 retained).
Molecular consequence: synonymous variant. On other transcripts: intron variant (2).
Genome position (GRCh38, 1-based): chr5:83,540,642, C>T. VCF-style: chr5-83540642-C-T. GRCh37 (hg19) VCF-style: chr5-82836461-C-T.
Other names: c.7639C>T (NM_004385.4); c.4678C>T, p.Leu1560= (NM_001164097.2); c.4004-4895C>T (NM_001164098.2); c.1043-4895C>T (NM_001126336.3).
Identifiers: ClinVar variation 1122290 (VCV001122290.11), dbSNP rs780600250, ClinGen allele CA3333677.

ClinVar aggregate classification (germline): Likely benign. Review status: criteria provided, multiple submitters, no conflicts (2 of 4 stars). 3 submissions from 3 submitters: Likely benign (3). Last evaluated 2025-12-01.

Conditions:
VCAN-related disorder. Also called: VCAN-related condition.

Allele frequency attached by ClinVar (database versions not stated): ExAC 0.00001; gnomAD 0.00001; TOPMed 0.00002.
gnomAD v4.1: 35 of 1,613,602 alleles (0.0022%); highest among the groups gnomAD compares: Admixed American, 0.0033%; no homozygotes.

Submissions (3):

PreventionGenetics, part of Exact Sciences
Classification: Likely benign for VCAN-related condition. Last evaluated: 2025-12-01. Review status: criteria provided, single submitter. Criteria: ACMG Guidelines, 2015. Collection method: clinical testing. Allele origin: germline.
Comment: This variant is classified as likely benign based on ACMG/AMP sequence variant interpretation guidelines (Richards et al. 2015 PMID: 25741868, with internal and published modifications).

Blueprint Genetics
Classification: Likely benign. Last evaluated: 2023-10-20. Review status: criteria provided, single submitter. Criteria: ACMG Guidelines, 2015. Collection method: clinical testing. Allele origin: germline.

Labcorp Genetics (formerly Invitae), Labcorp
Classification: Likely benign. Last evaluated: 2022-11-15. Review status: criteria provided, single submitter. Criteria: Invitae Variant Classification Sherloc (09022015). Collection method: clinical testing. Allele origin: germline.